The following is an entry in ClinVar:

NM_001382567.1(STIM1):c.100A>T (p.Thr34Ser)

Gene: STIM1 (stromal interaction molecule 1; plus strand). Cytogenetic location: 11p15.4.
Variant type: single nucleotide variant.
Coding change: c.100A>T on transcript NM_001382567.1 (MANE Select); coding-DNA position 100, A replaced by T.
Protein change: p.Thr34Ser; replaces threonine 34 with serine.
Molecular consequence: missense variant. On other transcripts: 5 prime UTR variant (1), non-coding transcript variant (3), intron variant (10).
Genome position (GRCh38, 1-based): chr11:3,856,370, A>T. VCF-style: chr11-3856370-A-T. GRCh37 (hg19) VCF-style: chr11-3877600-A-T.
Other names: c.100A>T, p.Thr34Ser (NM_001277961.3, NM_001277962.2, NM_001382568.1 and 3 more transcripts); c.96A>T, p.Glu32Asp (NM_001382569.1); c.-138A>T (NM_001382571.1); c.-84+1634A>T (NM_001382578.1, NM_001382575.1, NM_001382574.1); c.-220+1634A>T (NM_001382580.1, NM_001382581.1); c.-84+1716A>T (NM_001382576.1); c.-84+954A>T (NM_001382566.1, NM_001382579.1, NM_001382577.1 and 1 more transcripts); short protein forms T34S, E32D.
Identifiers: ClinVar variation 572800 (VCV000572800.10), dbSNP rs1565091023, ClinGen allele CA379196482.

ClinVar aggregate classification (germline): Uncertain significance (1 of 4 stars; one submission).

Conditions:
Combined immunodeficiency due to STIM1 deficiency. Also called: STIM1 DEFICIENCY; IMMUNODEFICIENCY 10. Identifiers: Orphanet 169090, Orphanet 317430, MedGen C2748557, MONDO:0013008, OMIM 612783.
Stormorken syndrome (STRMK). Also called: THROMBOCYTOPATHY, ASPLENIA, AND MIOSIS. Identifiers: Orphanet 3204, MedGen C1861451, MONDO:0008497, OMIM 185070.
Myopathy with tubular aggregates (TAM). Also called: Tubular Aggregate Myopathy. Identifiers: Orphanet 2593, MedGen C0410207, MONDO:0008051.

Allele frequency attached by ClinVar (database versions not stated): TOPMed below 0.00001; gnomAD exomes 0.00001.
gnomAD v4.1: 4 of 1,614,156 alleles (0.00025%); highest among the groups gnomAD compares: Non-Finnish European, 0.00025%; no homozygotes.

Submission:

Labcorp Genetics (formerly Invitae), Labcorp
Classification: Uncertain significance for Myopathy with tubular aggregates; Combined immunodeficiency due to STIM1 deficiency; Stormorken syndrome. Last evaluated: 2022-06-04. Review status: criteria provided, single submitter. Criteria: Invitae Variant Classification Sherloc (09022015). Collection method: clinical testing. Allele origin: germline.
Comment: This sequence change replaces threonine, which is neutral and polar, with serine, which is neutral and polar, at codon 34 of the STIM1 protein (p.Thr34Ser). This variant is not present in population databases (gnomAD no frequency). This variant has not been reported in the literature in individuals affected with STIM1-related conditions. ClinVar contains an entry for this variant (Variation ID: 572800). Algorithms developed to predict the effect of missense changes on protein structure and function (SIFT, PolyPhen-2, Align-GVGD) all suggest that this variant is likely to be tolerated. In summary, the available evidence is currently insufficient to determine the role of this variant in disease. Therefore, it has been classified as a Variant of Uncertain Significance.